The following is an entry in ClinVar:

ClinVar aggregate classification (germline): Uncertain significance (1 of 4 stars; one submission).

Submission:

Labcorp Genetics (formerly Invitae), Labcorp
Classification: Uncertain significance. Last evaluated: 2024-12-23. Review status: criteria provided, single submitter. Criteria: Invitae Variant Classification Sherloc (09022015). Collection method: clinical testing. Allele origin: germline.
Comment: This sequence change replaces leucine, which is neutral and non-polar, with proline, which is neutral and non-polar, at codon 206 of the NTRK2 protein (p.Leu206Pro). This variant is not present in population databases (gnomAD no frequency). This variant has not been reported in the literature in individuals affected with NTRK2-related conditions. Invitae Evidence Modeling of protein sequence and biophysical properties (such as structural, functional, and spatial information, amino acid conservation, physicochemical variation, residue mobility, and thermodynamic stability) indicates that this missense variant is not expected to disrupt NTRK2 protein function with a negative predictive value of 80%. In summary, the available evidence is currently insufficient to determine the role of this variant in disease. Therefore, it has been classified as a Variant of Uncertain Significance.

NM_006180.6(NTRK2):c.617T>C (p.Leu206Pro)

Gene: NTRK2 (neurotrophic receptor tyrosine kinase 2; plus strand). Cytogenetic location: 9q21.33.
Variant type: single nucleotide variant.
Coding change: c.617T>C on transcript NM_006180.6 (MANE Select); coding-DNA position 617, T replaced by C.
Protein change: p.Leu206Pro; replaces leucine 206 with proline.
Molecular consequence: missense variant.
Genome position (GRCh38, 1-based): chr9:84,723,606, T>C. VCF-style: chr9-84723606-T-C. GRCh37 (hg19) VCF-style: chr9-87338521-T-C.
Other names: c.617T>C, p.Leu206Pro (NM_001291937.2, NM_001369532.1, NM_001369533.1 and 18 more transcripts); c.149T>C, p.Leu50Pro (NM_001369535.1, NM_001369536.1, NM_001369550.1 and 2 more transcripts); short protein forms L206P, L50P.
Identifiers: ClinVar variation 3704444 (VCV003704444.2).